The following is an entry in ClinVar:

NM_017841.4(SDHAF2):c.37A>T (p.Met13Leu)

Gene: SDHAF2 (succinate dehydrogenase complex assembly factor 2; plus strand). Cytogenetic location: 11q12.2.
Variant type: single nucleotide variant.
Coding change: c.37A>T on transcript NM_017841.4 (MANE Select); coding-DNA position 37, A replaced by T.
Protein change: p.Met13Leu; replaces methionine 13 with leucine.
Molecular consequence: missense variant.
Genome position (GRCh38, 1-based): chr11:61,437,625, A>T. VCF-style: chr11-61437625-A-T. GRCh37 (hg19) VCF-style: chr11-61205097-A-T.
Other names: short protein forms M13L.
Identifiers: ClinVar variation 486405 (VCV000486405.14), dbSNP rs1361460244, ClinGen allele CA380682716.

ClinVar aggregate classification (germline): Uncertain significance. Review status: criteria provided, multiple submitters, no conflicts (2 of 4 stars). 2 submissions from 2 submitters: Uncertain significance (2). Last evaluated 2026-02-03.

Conditions:
Hereditary cancer-predisposing syndrome. Also called: Neoplastic Syndromes, Hereditary; Hereditary neoplastic syndrome; Tumor predisposition; Hereditary Cancer Syndrome. Identifiers: Orphanet 140162, MedGen C0027672, MeSH D009386, MONDO:0015356.
Hereditary pheochromocytoma and paraganglioma. Also called: Hereditary Paraganglioma-Pheochromocytoma Syndromes; Hereditary paragangliomas and pheochromocytomas; Hereditary pheochromocytoma-paraganglioma. Identifiers: Orphanet 29072, MedGen C4274332, MONDO:0017366.

Allele frequency attached by ClinVar (database versions not stated): gnomAD exomes below 0.00001 and 0.00001.

Submissions (2):

Ambry Genetics
Classification: Uncertain significance for Hereditary cancer-predisposing syndrome. Last evaluated: 2026-02-03. Review status: criteria provided, single submitter. Criteria: Ambry Variant Classification Scheme 2023. Collection method: clinical testing. Allele origin: germline.
Comment: The c.37A>T variant (also known as p.M13L) is located in coding exon 2 of the SDHAF2 gene. The methionine at codon 13 is replaced by leucine, an amino acid with highly similar properties. This change occurs in the first base pair of coding exon 2, which means it may have some effect on normal mRNA splicing. This nucleotide position is poorly conserved in available vertebrate species. In silico splice site analysis predicts that this alteration may weaken the native splice acceptor site; however, direct evidence is insufficient at this time (Ambry internal data). Based on the available evidence, the clinical significance of this variant remains unclear.

Labcorp Genetics (formerly Invitae), Labcorp
Classification: Uncertain significance for Hereditary pheochromocytoma and paraganglioma. Last evaluated: 2024-11-22. Review status: criteria provided, single submitter. Criteria: Invitae Variant Classification Sherloc (09022015). Collection method: clinical testing. Allele origin: germline.
Comment: This sequence change replaces methionine, which is neutral and non-polar, with leucine, which is neutral and non-polar, at codon 13 of the SDHAF2 protein (p.Met13Leu). This variant is present in population databases (no rsID available, gnomAD 0.0009%). This variant has not been reported in the literature in individuals affected with SDHAF2-related conditions. ClinVar contains an entry for this variant (Variation ID: 486405). An algorithm developed to predict the effect of missense changes on protein structure and function outputs the following: PolyPhen-2: "Benign". The leucine amino acid residue is found in multiple mammalian species, which suggests that this missense change does not adversely affect protein function. Algorithms developed to predict the effect of sequence changes on RNA splicing suggest that this variant may disrupt the consensus splice site. In summary, the available evidence is currently insufficient to determine the role of this variant in disease. Therefore, it has been classified as a Variant of Uncertain Significance.